The following is an entry in ClinVar:

ClinVar aggregate classification (germline): Uncertain significance. Review status: criteria provided, multiple submitters, no conflicts (2 of 4 stars). 2 submissions from 2 submitters: Uncertain significance (2). Last evaluated 2025-11-02.

Conditions:
Fanconi anemia (FA). Also called: Fanconi's anemia. Identifiers: Orphanet 84, MedGen C0015625, MeSH D005199, MONDO:0019391.
Inborn genetic diseases. Identifiers: MedGen C0950123, MeSH D030342.

gnomAD v4.1: 1 of 1,526,882 alleles (0.000065%); highest among the groups gnomAD compares: Middle Eastern, 0.021%; no homozygotes.

Submissions (2):

Ambry Genetics
Classification: Uncertain significance for Inborn genetic diseases. Last evaluated: 2025-11-02. Review status: criteria provided, single submitter. Criteria: Ambry Variant Classification Scheme 2023. Collection method: clinical testing. Allele origin: germline.
Comment: The p.N8I variant (also known as c.23A>T), located in coding exon 1 of the FANCA gene, results from an A to T substitution at nucleotide position 23. The asparagine at codon 8 is replaced by isoleucine, an amino acid with dissimilar properties. This amino acid position is conserved. In addition, this alteration is predicted to be tolerated by in silico analysis. Based on the available evidence, the clinical significance of this variant remains unclear.

Labcorp Genetics (formerly Invitae), Labcorp
Classification: Uncertain significance for Fanconi anemia. Last evaluated: 2021-08-30. Review status: criteria provided, single submitter. Criteria: Invitae Variant Classification Sherloc (09022015). Collection method: clinical testing. Allele origin: germline.
Comment: This sequence change replaces asparagine with isoleucine at codon 8 of the FANCA protein (p.Asn8Ile). The asparagine residue is weakly conserved and there is a large physicochemical difference between asparagine and isoleucine. The frequency data for this variant in the population databases is considered unreliable, as metrics indicate insufficient coverage at this position in the ExAC database. This variant has not been reported in the literature in individuals affected with FANCA-related conditions. Algorithms developed to predict the effect of missense changes on protein structure and function are either unavailable or do not agree on the potential impact of this missense change (SIFT: "Deleterious"; PolyPhen-2: "Possibly Damaging"; Align-GVGD: "Class C0"). In summary, the available evidence is currently insufficient to determine the role of this variant in disease. Therefore, it has been classified as a Variant of Uncertain Significance.

NM_000135.4(FANCA):c.23A>T (p.Asn8Ile)

Genes: FANCA (FA complementation group A; minus strand), LOC112486223 (Sharpr-MPRA regulatory region 3988; plus strand). Cytogenetic location: 16q24.3.
Variant type: single nucleotide variant.
Coding change: c.23A>T on transcript NM_000135.4 (MANE Select); coding-DNA position 23, A replaced by T.
Protein change: p.Asn8Ile; replaces asparagine 8 with isoleucine.
Molecular consequence: missense variant.
Genome position (GRCh38, 1-based): chr16:89,816,593, T>A on the plus strand (A>T on the coding strand, the complement: FANCA is on the minus strand). VCF-style: chr16-89816593-T-A. GRCh37 (hg19) VCF-style: chr16-89883001-T-A.
Other names: c.23A>T, p.Asn8Ile (NM_001018112.3, NM_001286167.3, NM_001351830.2); short protein forms N8I.
Identifiers: ClinVar variation 934306 (VCV000934306.8), dbSNP rs757468756, ClinGen allele CA397484587.